The following is an entry in ClinVar:

NM_000057.4(BLM):c.3751+10C>T

Gene: BLM (BLM RecQ like helicase; plus strand). Cytogenetic location: 15q26.1.
Variant type: single nucleotide variant.
Coding change: c.3751+10C>T on transcript NM_000057.4 (MANE Select); 10 bases into the intron after coding-DNA position 3751, C replaced by T.
Molecular consequence: intron variant.
Genome position (GRCh38, 1-based): chr15:90,804,369, C>T. VCF-style: chr15-90804369-C-T. GRCh37 (hg19) VCF-style: chr15-91347599-C-T.
Other names: c.3751+10C>T (LRG_20t1, NM_001287246.2); c.2626+10C>T (NM_001287248.2); c.3359-4768C>T (NM_001287247.2).
Identifiers: ClinVar variation 317410 (VCV000317410.20), dbSNP rs199685140, ClinGen allele CA7739096.

ClinVar aggregate classification (germline): Conflicting classifications of pathogenicity. Review status: criteria provided, conflicting classifications (1 of 4 stars). 5 submissions from 5 submitters: Uncertain significance (2); Likely benign (3). Last evaluated 2026-01-27.

Conditions:
Bloom syndrome (BLM). Also called: Bloom-Torre-Machacek syndrome. Identifiers: Orphanet 125, MedGen C0005859, MONDO:0008876, OMIM 210900.

Allele frequency attached by ClinVar (database versions not stated): TOPMed 0.00008; ExAC 0.00012; ESP Exome Variant Server 0.00015; gnomAD exomes 0.00016.
gnomAD v4.1: 111 of 1,608,906 alleles (0.0069%); highest among the groups gnomAD compares: Admixed American, 0.035%; 1 homozygote.

Submissions (5):

Labcorp Genetics (formerly Invitae), Labcorp
Classification: Likely benign for Bloom syndrome. Last evaluated: 2026-01-27. Review status: criteria provided, single submitter. Criteria: Invitae Variant Classification Sherloc (09022015). Collection method: clinical testing. Allele origin: germline.

Women's Health and Genetics/Laboratory Corporation of America, LabCorp
Classification: Likely benign. Last evaluated: 2024-12-11. Review status: criteria provided, single submitter. Criteria: LabCorp Variant Classification Summary - May 2015. Collection method: clinical testing. Allele origin: germline.

Blueprint Genetics
Classification: Likely benign. Last evaluated: 2023-12-21. Review status: criteria provided, single submitter. Criteria: ACMG Guidelines, 2015. Collection method: clinical testing. Allele origin: germline.

Baylor Genetics
Classification: Uncertain significance for Bloom syndrome. Last evaluated: 2018-03-22. Review status: criteria provided, single submitter. Criteria: ACMG Guidelines, 2015. Collection method: clinical testing. Allele origin: paternal. Affected: yes.
Comment: This variant was determined to be of uncertain significance according to ACMG Guidelines, 2015 [PMID:25741868].

Illumina Laboratory Services, Illumina
Classification: Uncertain significance for Bloom syndrome. Last evaluated: 2018-01-12. Review status: criteria provided, single submitter. Criteria: ICSL Variant Classification Criteria 13 December 2019. Collection method: clinical testing. Allele origin: germline.